The following is an entry in ClinVar:

ClinVar aggregate classification (germline): Uncertain significance (1 of 4 stars; one submission).

Submission:

Labcorp Genetics (formerly Invitae), Labcorp
Classification: Uncertain significance. Last evaluated: 2022-11-08. Review status: criteria provided, single submitter. Criteria: Invitae Variant Classification Sherloc (09022015). Collection method: clinical testing. Allele origin: germline.
Comment: In summary, the available evidence is currently insufficient to determine the role of this variant in disease. Therefore, it has been classified as a Variant of Uncertain Significance. Advanced modeling of protein sequence and biophysical properties (such as structural, functional, and spatial information, amino acid conservation, physicochemical variation, residue mobility, and thermodynamic stability) performed at Invitae indicates that this missense variant is not expected to disrupt GHSR protein function. This variant has not been reported in the literature in individuals affected with GHSR-related conditions. This variant is not present in population databases (gnomAD no frequency). This sequence change replaces threonine, which is neutral and polar, with asparagine, which is neutral and polar, at codon 201 of the GHSR protein (p.Thr201Asn).

NM_198407.2(GHSR):c.602C>A (p.Thr201Asn)

Gene: GHSR (growth hormone secretagogue receptor; minus strand). Cytogenetic location: 3q26.31.
Variant type: single nucleotide variant.
Coding change: c.602C>A on transcript NM_198407.2 (MANE Select); coding-DNA position 602, C replaced by A.
Protein change: p.Thr201Asn; replaces threonine 201 with asparagine.
Molecular consequence: missense variant.
Genome position (GRCh38, 1-based): chr3:172,447,812, G>T on the plus strand (C>A on the coding strand, the complement: GHSR is on the minus strand). VCF-style: chr3-172447812-G-T. GRCh37 (hg19) VCF-style: chr3-172165602-G-T.
Other names: c.602C>A, p.Thr201Asn (NM_004122.2); short protein forms T201N.
Identifiers: ClinVar variation 1952951 (VCV001952951.5), dbSNP rs1737508794, ClinGen allele CA355514100.